The following is an entry in ClinVar:

ClinVar aggregate classification (germline): Uncertain significance (1 of 4 stars; one submission).

Conditions:
Hereditary cancer-predisposing syndrome. Also called: Neoplastic Syndromes, Hereditary; Tumor predisposition; Hereditary Cancer Syndrome; Hereditary neoplastic syndrome. Identifiers: Orphanet 140162, MedGen C0027672, MeSH D009386, MONDO:0015356.

Submission:

Ambry Genetics
Classification: Uncertain significance for Hereditary cancer-predisposing syndrome. Last evaluated: 2019-08-02. Review status: criteria provided, single submitter. Criteria: Ambry Variant Classification Scheme 2023. Collection method: clinical testing. Allele origin: germline.
Comment: The p.G1246S variant (also known as c.3736G>A), located in coding exon 22 of the PTCH1 gene, results from a G to A substitution at nucleotide position 3736. The glycine at codon 1246 is replaced by serine, an amino acid with similar properties. This amino acid position is poorly conserved in available vertebrate species. In addition, this alteration is predicted to be tolerated by in silico analysis. Since supporting evidence is limited at this time, the clinical significance of this alteration remains unclear.

NM_000264.5(PTCH1):c.3736G>A (p.Gly1246Ser)

Gene: PTCH1 (patched 1; minus strand). Cytogenetic location: 9q22.32.
Variant type: single nucleotide variant.
Coding change: c.3736G>A on transcript NM_000264.5 (MANE Select); coding-DNA position 3736, G replaced by A.
Protein change: p.Gly1246Ser; replaces glycine 1246 with serine.
Molecular consequence: missense variant. On other transcripts: non-coding transcript variant (1).
Genome position (GRCh38, 1-based): chr9:95,449,137, C>T on the plus strand (G>A on the coding strand, the complement: PTCH1 is on the minus strand). VCF-style: chr9-95449137-C-T. GRCh37 (hg19) VCF-style: chr9-98211419-C-T.
Other names: c.3538G>A, p.Gly1180Ser (NM_001083602.3); c.3733G>A, p.Gly1245Ser (NM_001083603.3); c.3283G>A, p.Gly1095Ser (NM_001083604.3, NM_001083605.3, NM_001083606.3 and 1 more transcripts); c.3580G>A, p.Gly1194Ser (NM_001354918.2); short protein forms G1194S, G1180S, G1246S, G1095S, G1245S.
Identifiers: ClinVar variation 1734424 (VCV001734424.2), dbSNP rs2136598027, ClinGen allele CA374111036.
Genomic context (GRCh38, chr9:95,449,137, plus strand): 5'-GGGCGAAGACGGGGTTTTCTGTGGCTTCCACGATCACTTGGTGGGCAGGGCCTCCCGCGC[C>T]CTGCTGGGCCTCGTAGTGCCGAAGCTCCTCGCTGAGGCCTGACACTGTCGTCTGGGAACT-3'
Protein context (NP_000255.2, residues 1236-1256): EELRHYEAQQ[Gly1246Ser]AGGPAHQVIV